The following is an entry in ClinVar:

ClinVar aggregate classification (germline): Uncertain significance (1 of 4 stars; one submission).

Allele frequency attached by ClinVar (database versions not stated): gnomAD exomes below 0.00001.
gnomAD v4.1: 1 of 1,199,176 alleles (0.000083%); highest among the groups gnomAD compares: Non-Finnish European, 0.00011%; no homozygotes.

Submission:

GeneDx
Classification: Uncertain significance. Last evaluated: 2017-08-21. Review status: criteria provided, single submitter. Criteria: GeneDx Variant Classification (06012015). Collection method: clinical testing. Allele origin: germline. Affected: yes.
Comment: The R448I variant in the LAS1L gene has not been reported previously as a pathogenic variant, nor as a benign variant, to our knowledge. The R448I variant is not observed in large population cohorts (Lek et al., 2016; 1000 Genomes Consortium et al., 2015; Exome Variant Server). The R448I variant is a non-conservative amino acid substitution, which is likely to impact secondary protein structure as these residues differ in polarity, charge, size and/or other properties. This substitution occurs at a position that is conserved in mammals. In silico analysis predicts this variant is probably damaging to the protein structure/function. We interpret R448I as a variant of uncertain significance.

NM_031206.7(LAS1L):c.1343G>T (p.Arg448Ile)

Gene: LAS1L (LAS1 like ribosome biogenesis factor; minus strand). Cytogenetic location: Xq12.
Variant type: single nucleotide variant.
Coding change: c.1343G>T on transcript NM_031206.7 (MANE Select); coding-DNA position 1343, G replaced by T.
Protein change: p.Arg448Ile; replaces arginine 448 with isoleucine.
Molecular consequence: missense variant. On other transcripts: non-coding transcript variant (1).
Genome position (GRCh38, 1-based): chrX:65,523,665, C>A on the plus strand (G>T on the coding strand, the complement: LAS1L is on the minus strand). VCF-style: chrX-65523665-C-A. GRCh37 (hg19) VCF-style: chrX-64743545-C-A.
Other names: c.1292G>T, p.Arg431Ile (NM_001170649.2, NM_001375331.1, NM_001375333.1 and 2 more transcripts); c.1166G>T, p.Arg389Ile (NM_001170650.2); c.1343G>T, p.Arg448Ile (NM_001375328.1, NM_001375329.1, NM_001375330.1 and 2 more transcripts); c.386G>T, p.Arg129Ile (NM_001375332.1); short protein forms R448I, R389I, R431I, R129I.
Identifiers: ClinVar variation 451475 (VCV000451475.2), dbSNP rs1556306730, ClinGen allele CA413316623.